The following is an entry in ClinVar:

ClinVar aggregate classification (germline): Uncertain significance. Review status: criteria provided, multiple submitters, no conflicts (2 of 4 stars). 2 submissions from 2 submitters: Uncertain significance (2). Last evaluated 2025-06-16.

Conditions:
Intellectual disability. Also called: Intellectual functioning disability; Intellectual developmental disorder; intellectual disabilities. Identifiers: MedGen C3714756, MeSH D008607, MONDO:0001071, HP:0001249.

Allele frequency attached by ClinVar (database versions not stated): gnomAD exomes below 0.00001; ExAC 0.00001.

Submissions (2):

Victorian Clinical Genetics Services, Murdoch Childrens Research Institute
Classification: Uncertain significance for Intellectual disability. Last evaluated: 2025-06-16. Review status: criteria provided, single submitter. Criteria: ACMG Guidelines, 2015. Collection method: clinical testing. Allele origin: germline. Affected: yes.
Comment: This variant is classified as VUS-3B. Evidence in support of pathogenic classification: Variant is predicted to cause nonsense-mediated decay (NMD) and loss of protein (premature termination codon is located at least 54 nucleotides upstream of the final exon-exon junction); Variant is present in gnomAD <0.001 for a dominant condition (v4: 2 heterozygote(s), 0 homozygote(s)). Additional information: This variant is heterozygous; This gene is associated with autosomal dominant disease. However, the gene-disease association with intellectual disability (MONDO:0001071), ERBB4-related has limited supporting evidence (PanelApp Australia) whilst amyotrophic lateral sclerosis 19 (MIM#615515) has been classified as limited by the ClinGen Amyotrophic Lateral Sclerosis Spectrum Disorders GCEP; Alternative NMD-predicted variants are present in gnomAD (Highest allele count: v4: 9 heterozygote(s), 0 homozygote(s)); Previous evidence of pathogenicity for this variant is inconclusive. This variant has been classified as a VUS by a clinical laboratory in ClinVar; No published segregation evidence has been identified for this variant; No published functional evidence has been identified for this variant; Other NMD-predicted variant(s) comparable to the one identified in this case have conflicting previous evidence for pathogenicity. NMD-predicted variants in this gene have been classified as both pathogenic and VUS by clinical laboratories in ClinVar. - The mechanism of disease for this gene is not clearly established; Parental origin of the variant is unresolved.

Labcorp Genetics (formerly Invitae), Labcorp
Classification: Uncertain significance. Last evaluated: 2023-05-14. Review status: criteria provided, single submitter. Criteria: Invitae Variant Classification Sherloc (09022015). Collection method: clinical testing. Allele origin: germline.
Comment: This sequence change creates a premature translational stop signal (p.Arg47*) in the ERBB4 gene. It is expected to result in an absent or disrupted protein product. However, the current clinical and genetic evidence is not sufficient to establish whether loss-of-function variants in ERBB4 cause disease. In summary, the available evidence is currently insufficient to determine the role of this variant in disease. Therefore, it has been classified as a Variant of Uncertain Significance. ClinVar contains an entry for this variant (Variation ID: 1472372). This variant has not been reported in the literature in individuals affected with ERBB4-related conditions. This variant is present in population databases (rs772401914, gnomAD 0.006%).

NM_005235.3(ERBB4):c.139C>T (p.Arg47Ter)

Gene: ERBB4 (erb-b2 receptor tyrosine kinase 4; minus strand). Cytogenetic location: 2q34.
Variant type: single nucleotide variant.
Coding change: c.139C>T on transcript NM_005235.3 (MANE Select); coding-DNA position 139, C replaced by T.
Protein change: p.Arg47Ter; replaces arginine 47 with a stop codon.
Molecular consequence: nonsense.
Genome position (GRCh38, 1-based): chr2:212,124,847, G>A on the plus strand (C>T on the coding strand, the complement: ERBB4 is on the minus strand). VCF-style: chr2-212124847-G-A. GRCh37 (hg19) VCF-style: chr2-212989572-G-A.
Other names: c.139C>T, p.Arg47Ter (NM_001042599.2); short protein forms R47*.
Identifiers: ClinVar variation 1472372 (VCV001472372.8), dbSNP rs772401914, ClinGen allele CA2088516.
Genomic context (GRCh38, chr2:212,124,847, plus strand): 5'-TGGTTATCTCCAGGTTGCCCATGACAACCTCACAGTTTTCATAGTACTTGCGCAAGGCTC[G>A]GTACTGCTGTTCCAGGTCAGAGAGAGAGCTCAGTTTATTCTCCGTTCCTGCACACACTGC-3'